The following is an entry in ClinVar:

ClinVar aggregate classification (germline): Benign/Likely benign. Review status: criteria provided, multiple submitters, no conflicts (2 of 4 stars). 3 submissions from 3 submitters: Benign (1); Likely benign (2). Last evaluated 2026-01-17.

Conditions:
Hereditary cancer-predisposing syndrome. Also called: Hereditary neoplastic syndrome; Tumor predisposition; Neoplastic Syndromes, Hereditary; Hereditary Cancer Syndrome. Identifiers: Orphanet 140162, MedGen C0027672, MeSH D009386, MONDO:0015356.
Familial cancer of breast. Also called: Hereditary breast cancer; hereditary breast carcinoma; BREAST CANCER, FAMILIAL. Identifiers: Orphanet 227535, MedGen C0346153, MONDO:0016419, OMIM 114480. Disease mechanism: loss of function.
Fanconi anemia complementation group J. Also called: BRIP1-Related Fanconi Anemia. Identifiers: Orphanet 84, MedGen C1836860, MONDO:0012187, OMIM 609054.

Allele frequency attached by ClinVar (database versions not stated): gnomAD exomes 0.00001.
gnomAD v4.1: 5 of 1,614,004 alleles (0.00031%); highest among the groups gnomAD compares: Non-Finnish European, 0.00042%; no homozygotes.

Submissions (3):

Labcorp Genetics (formerly Invitae), Labcorp
Classification: Likely benign for Familial cancer of breast; Fanconi anemia complementation group J. Last evaluated: 2026-01-17. Review status: criteria provided, single submitter. Criteria: Invitae Variant Classification Sherloc (09022015). Collection method: clinical testing. Allele origin: germline.

Myriad Genetics, Inc.
Classification: Benign for Familial cancer of breast. Last evaluated: 2024-09-10. Review status: criteria provided, single submitter. Criteria: Myriad Autosomal Dominant, Autosomal Recessive and X-Linked Classification Criteria (2023). Collection method: clinical testing. Allele origin: unknown.
Comment: This variant is considered benign. This variant is a silent/synonymous amino acid change and it is not expected to impact splicing.

Ambry Genetics
Classification: Likely benign for Hereditary cancer-predisposing syndrome. Last evaluated: 2021-07-23. Review status: criteria provided, single submitter. Criteria: Ambry Variant Classification Scheme 2023. Collection method: clinical testing. Allele origin: germline.

NM_032043.3(BRIP1):c.3351A>G (p.Ser1117=)

Gene: BRIP1 (BRCA1 interacting DNA helicase 1; minus strand). Cytogenetic location: 17q23.2.
Variant type: single nucleotide variant.
Coding change: c.3351A>G on transcript NM_032043.3 (MANE Select); coding-DNA position 3351, A replaced by G.
Protein change: p.Ser1117=; no amino-acid change (serine 1117 retained).
Molecular consequence: synonymous variant.
Genome position (GRCh38, 1-based): chr17:61,683,695, T>C on the plus strand (A>G on the coding strand, the complement: BRIP1 is on the minus strand). VCF-style: chr17-61683695-T-C. GRCh37 (hg19) VCF-style: chr17-59761056-T-C.
Identifiers: ClinVar variation 1106571 (VCV001106571.13), dbSNP rs2144079200, ClinGen allele CA501335122.